The following is an entry in ClinVar:

NM_000091.5(COL4A3):c.3418+1G>T

Genes: COL4A3 (collagen type IV alpha 3 chain; plus strand), MFF-DT (MFF divergent transcript; minus strand). Cytogenetic location: 2q36.3.
Variant type: single nucleotide variant.
Coding change: c.3418+1G>T on transcript NM_000091.5 (MANE Select); the canonical splice donor site of the intron after coding-DNA position 3418, G replaced by T.
Molecular consequence: splice donor variant.
Genome position (GRCh38, 1-based): chr2:227,294,571, G>T. VCF-style: chr2-227294571-G-T. GRCh37 (hg19) VCF-style: chr2-228159287-G-T.
Other names: c.3418+1G>T (NM_000091.4).
Identifiers: ClinVar variation 2910158 (VCV002910158.6), dbSNP rs2469859818, ClinGen allele CA350858648.

ClinVar aggregate classification (germline): Likely pathogenic. Review status: criteria provided, multiple submitters, no conflicts (2 of 4 stars). 3 submissions from 3 submitters: Likely pathogenic (3). Last evaluated 2024-10-15.

Conditions:
Alport syndrome. Also called: Hemorrhagic familial nephritis; Hemorrhagic hereditary nephritis; Congenital hereditary hematuria. Identifiers: Orphanet 63, MedGen C1567741, MONDO:0018965.
Autosomal dominant Alport syndrome (ATS3A). Also called: Alport syndrome dominant type; Renal failure and sensorineural hearing loss; ALPORT SYNDROME 3A, AUTOSOMAL DOMINANT. Identifiers: Orphanet 63, Orphanet 88918, MedGen C5882663, MONDO:0007086, OMIM 104200.
Hematuria, benign familial, 2 (BFH2). Identifiers: MedGen C5830421, MONDO:0958186, OMIM 620320.
Alport syndrome 3b, autosomal recessive. Identifiers: MedGen C5882699, MONDO:0957811, OMIM 620536.

Submissions (3):

Natera, Inc.
Classification: Likely pathogenic for Alport syndrome. Last evaluated: 2024-10-15. Review status: criteria provided, single submitter. Criteria: Natera Variant Classification Schema (03/2026). Collection method: clinical testing. Allele origin: germline.
Comment: The c.3418+1G>T variant in COL4A3 is a canonical splice donor site variant predicted to affect pre-mRNA splicing, which may result in an abnormal transcript and altered protein product. This variant may result in a truncated or dysfunctional protein product. This variant is rare in the general population with a frequency below the threshold expected for the associated phenotype(s). This variant has been observed in one or more individuals affected with the associated recessive disease, as either homozygous or compound heterozygous with a second variant (PMID: 29742505). Given the available evidence, this variant is classified as Likely Pathogenic.

Labcorp Genetics (formerly Invitae), Labcorp
Classification: Likely pathogenic. Last evaluated: 2023-12-09. Review status: criteria provided, single submitter. Criteria: Invitae Variant Classification Sherloc (09022015). Collection method: clinical testing. Allele origin: germline.
Comment: This sequence change affects a donor splice site in intron 39 of the COL4A3 gene. It is expected to disrupt RNA splicing. Variants that disrupt the donor or acceptor splice site typically lead to a loss of protein function (PMID: 16199547), and loss-of-function variants in COL4A3 are known to be pathogenic (PMID: 8956999, 24854265, 26809805, 27281700). This variant is not present in population databases (gnomAD no frequency). Disruption of this splice site has been observed in individual(s) with Alport syndrome (PMID: 18649777, 29742505). Algorithms developed to predict the effect of sequence changes on RNA splicing suggest that this variant may disrupt the consensus splice site. In summary, the currently available evidence indicates that the variant is pathogenic, but additional data are needed to prove that conclusively. Therefore, this variant has been classified as Likely Pathogenic.

Juno Genomics, Hangzhou Juno Genomics, Inc
Classification: Likely pathogenic for Autosomal dominant Alport syndrome; Alport syndrome 3b, autosomal recessive; Hematuria, benign familial, 2. Review status: criteria provided, single submitter. Criteria: ACMG Guidelines, 2015. Collection method: clinical testing. Allele origin: germline.
Comment: Absent from controls (or at extremely low frequency if recessive) in Genome Aggregation Database.;Null variant in a gene where loss of function (LOF) is a known mechanism of disease.;For recessive disorders, detected in trans with a pathogenic variant.;Patient's phenotype or family history is highly specific for a disease with a single genetic etiology.

Literature cited by the submitters: PubMed 29742505 (cited by Natera, Inc. and Labcorp Genetics (formerly Invitae), Labcorp); PubMed 16199547 (cited by Labcorp Genetics (formerly Invitae), Labcorp); PubMed 8956999 (cited by Labcorp Genetics (formerly Invitae), Labcorp); PubMed 24854265 (cited by Labcorp Genetics (formerly Invitae), Labcorp); PubMed 26809805 (cited by Labcorp Genetics (formerly Invitae), Labcorp); PubMed 27281700 (cited by Labcorp Genetics (formerly Invitae), Labcorp); PubMed 18649777 (cited by Labcorp Genetics (formerly Invitae), Labcorp).